The following is an entry in ClinVar:

ClinVar aggregate classification (germline): Pathogenic/Likely pathogenic. Review status: criteria provided, multiple submitters, no conflicts (2 of 4 stars). 2 submissions from 2 submitters: Pathogenic (1); Likely pathogenic (1). Last evaluated 2024-04-15.

Conditions:
Landau-Kleffner syndrome (FESD). Also called: EPILEPSY, FOCAL, WITH SPEECH DISORDER AND WITH OR WITHOUT MENTAL RETARDATION; APHASIA, ACQUIRED, WITH EPILEPSY. Identifiers: Orphanet 1945, Orphanet 725, Orphanet 98818, MedGen C0282512, MONDO:0009509, OMIM 245570.

Submissions (2):

Labcorp Genetics (formerly Invitae), Labcorp
Classification: Pathogenic for Landau-Kleffner syndrome. Last evaluated: 2024-04-15. Review status: criteria provided, single submitter. Criteria: Invitae Variant Classification Sherloc (09022015). Collection method: clinical testing. Allele origin: germline.
Comment: This sequence change replaces threonine, which is neutral and polar, with isoleucine, which is neutral and non-polar, at codon 513 of the GRIN2A protein (p.Thr513Ile). This variant is not present in population databases (gnomAD no frequency). This missense change has been observed in individual(s) with clinical features of GRIN2A-related conditions (Invitae). In at least one individual the variant was observed to be de novo. ClinVar contains an entry for this variant (Variation ID: 424392). Advanced modeling of protein sequence and biophysical properties (such as structural, functional, and spatial information, amino acid conservation, physicochemical variation, residue mobility, and thermodynamic stability) performed at Invitae indicates that this missense variant is expected to disrupt GRIN2A protein function with a positive predictive value of 95%. For these reasons, this variant has been classified as Pathogenic.

GeneDx
Classification: Likely pathogenic. Last evaluated: 2017-08-24. Review status: criteria provided, single submitter. Criteria: GeneDx Variant Classification (06012015). Collection method: clinical testing. Allele origin: germline. Affected: yes.
Comment: A variant that is likely pathogenic has been identified in the GRIN2A gene. The T513I variant has not beenpublished as a pathogenic variant, nor has it been reported as a benign variant to our knowledge. The T513I variant isnot observed in large population cohorts (Lek et al., 2016; 1000 Genomes Consortium et al., 2015; Exome VariantServer). The T513I variant is a non-conservative amino acid substitution, which is likely to impact secondary proteinstructure as these residues differ in polarity, charge, size and/or other properties. This substitution occurs at a positionthat is conserved across species and in silico analysis predicts this variant is probably damaging to the proteinstructure/function. Additionally, missense variants in nearby residues (R518H and R504W) have been reported inHuman Gene Mutation Database in association with GRIN2A-related disorder (Stenson et al., 2014), supporting thefunctional importance of this region of the protein. Therefore, this variant is likely pathogenic; however, the possibility that it is benign cannot be excluded.

NM_001134407.3(GRIN2A):c.1538C>T (p.Thr513Ile)

Gene: GRIN2A (glutamate ionotropic receptor NMDA type subunit 2A; minus strand). Cytogenetic location: 16p13.2.
Variant type: single nucleotide variant.
Coding change: c.1538C>T on transcript NM_001134407.3 (MANE Select); coding-DNA position 1538, C replaced by T.
Protein change: p.Thr513Ile; replaces threonine 513 with isoleucine.
Molecular consequence: missense variant.
Genome position (GRCh38, 1-based): chr16:9,840,760, G>A on the plus strand (C>T on the coding strand, the complement: GRIN2A is on the minus strand). VCF-style: chr16-9840760-G-A. GRCh37 (hg19) VCF-style: chr16-9934617-G-A.
Other names: c.1538C>T, p.Thr513Ile (NM_000833.5, NM_001134408.2); short protein forms T513I.
Identifiers: ClinVar variation 424392 (VCV000424392.8), dbSNP rs1064796950, ClinGen allele CA16620325.
Genomic context (GRCh38, chr16:9,840,760, plus strand): 5'-ATTCCCGTTTCCACAAAGGGCACAGAGAAGTCCACCACTTCAGAACGTTCCTCATTGATG[G>A]TGAGCGAGCCAACTGCCATGACTGCCCGTTGATAGACCACCTGGATGCAAGGCAAAAAAA-3'
Protein context (NP_001127879.1, residues 503-523): QRAVMAVGSL[Thr513Ile]INEERSEVVD